The following is an entry in ClinVar:

ClinVar aggregate classification (germline): Benign (0 of 4 stars; one submission).

Conditions:
PLEKHA5-related disorder. Also called: PLEKHA5-related condition.

Allele frequency attached by ClinVar (database versions not stated): TOPMed 0.00004; gnomAD 0.00031; 1000 Genomes Project 30x 0.00203; ExAC 0.00106; gnomAD exomes 0.00044; 1000 Genomes Project 0.00220.
gnomAD v4.1: 678 of 1,614,168 alleles (0.042%); highest among the groups gnomAD compares: South Asian, 0.72%; 14 homozygotes.

Submission:

PreventionGenetics, part of Exact Sciences
Classification: Benign for PLEKHA5-related condition. Last evaluated: 2019-06-06. Review status: no assertion criteria provided. Collection method: clinical testing. Allele origin: germline.
Comment: This variant is classified as benign based on ACMG/AMP sequence variant interpretation guidelines (Richards et al. 2015 PMID: 25741868, with internal and published modifications).

NM_001256470.2(PLEKHA5):c.1133G>A (p.Ser378Asn)

Gene: PLEKHA5 (pleckstrin homology domain containing A5; plus strand). Cytogenetic location: 12p12.3.
Variant type: single nucleotide variant.
Coding change: c.1133G>A on transcript NM_001256470.2 (MANE Select); coding-DNA position 1133, G replaced by A.
Protein change: p.Ser378Asn; replaces serine 378 with asparagine.
Molecular consequence: missense variant. On other transcripts: non-coding transcript variant (6).
Genome position (GRCh38, 1-based): chr12:19,274,803, G>A. VCF-style: chr12-19274803-G-A. GRCh37 (hg19) VCF-style: chr12-19427737-G-A.
Other names: c.809G>A, p.Ser270Asn (NM_001385942.1, NM_001385933.1, NM_001385939.1); c.1115G>A, p.Ser372Asn (NM_001385943.1, NM_001385946.1, NM_001385948.1 and 11 more transcripts); c.791G>A, p.Ser264Asn (NM_001385944.1, NM_001385945.1, NM_001385947.1 and 25 more transcripts); c.686G>A, p.Ser229Asn (NM_001385963.1); c.644G>A, p.Ser215Asn (NM_001385965.1); c.1133G>A, p.Ser378Asn (NM_001385924.1, NM_001385926.1, NM_001385927.1 and 4 more transcripts); short protein forms S215N, S229N, S264N, S270N, S372N, S378N.
Identifiers: ClinVar variation 3034315 (VCV003034315.2), dbSNP rs569717972, ClinGen allele CA6472219.
Genomic context (GRCh38, chr12:19,274,803, plus strand): 5'-AATATGAGAGTGGGTCAGCATGCCCTGCTCAGACTGTGCACTACAGACCAATCAACTTGA[G>A]CAGTTCAGAGAACAAAATAGTCAATGTTAGCCTGGCAGATCTTAGAGGTGGAAATCGCCC-3'
Protein context (NP_001243399.1, residues 368-388): QTVHYRPINL[Ser378Asn]SSENKIVNVS